The following is an entry in ClinVar:

NM_006929.5(SKIC2):c.1207del (p.Leu403fs)

Genes: SKIC2 (SKI2 subunit of superkiller complex; plus strand), LOC126859653 (CDK7 strongly-dependent group 2 enhancer GRCh37_chr6:31929542-31930741; plus strand). Cytogenetic location: 6p21.33.
Variant type: Deletion.
Coding change: c.1207del on transcript NM_006929.5 (MANE Select); coding-DNA position 1207, one base deleted (C; older notation c.1207delC).
Protein change: p.Leu403fs; shifts the reading frame from leucine 403.
Molecular consequence: frameshift variant.
Genome position (GRCh38, 1-based): chr6:31,962,581, C deleted; the last of 2 consecutive C bases (chr6:31,962,580-31,962,581); deleting either gives the same sequence. VCF-style (leftmost placement, unchanged base first): chr6-31962579-TC-T. GRCh37 (hg19) VCF-style: chr6-31930356-TC-T.
Other names: c.1207delC (NM_006929.4); short protein forms L403fs.
Identifiers: ClinVar variation 2445922 (VCV002445922.1), dbSNP rs899709021, ClinGen allele CA136908019.
Genomic context (GRCh38, chr6:31,962,579, plus strand): 5'-TGCTCACCGGGGATGTACAGCTGCATCCGGAGGCCTCCTGCCTCATCATGACCACAGAGA[TC>T]CTTCGGTGAGAGATGGACACTCAATACAGGGGAGTTTTGGCTGGGAAGATGTGGCCGTTG-3'

ClinVar aggregate classification (germline): Likely pathogenic (1 of 4 stars; one submission).

Conditions:
Trichohepatoenteric syndrome. Also called: Syndromic diarrhea; Tricho-hepato-enteric syndrome; THE SYNDROME. Identifiers: Orphanet 84064, MedGen C1857276, MONDO:0009105.

Submission:

Women's Health and Genetics/Laboratory Corporation of America, LabCorp
Classification: Likely pathogenic for Trichohepatoenteric syndrome. Last evaluated: 2023-02-20. Review status: criteria provided, single submitter. Criteria: LabCorp Variant Classification Summary - May 2015. Collection method: clinical testing. Allele origin: germline.
Comment: Variant summary: SKIV2L c.1207delC (p.Leu403PhefsX51) results in a premature termination codon, predicted to cause a truncation of the encoded protein or absence of the protein due to nonsense mediated decay, which are commonly known mechanisms for disease. Truncations downstream of this position have been classified as pathogenic by our laboratory. The variant was absent in 249344 control chromosomes. To our knowledge, no occurrence of c.1207delC in individuals affected with Trichohepatoenteric Syndrome and no experimental evidence demonstrating its impact on protein function have been reported. No clinical diagnostic laboratories have submitted clinical-significance assessments for this variant to ClinVar after 2014. Based on the evidence outlined above, the variant was classified as likely pathogenic.